The following is an entry in ClinVar:

ClinVar aggregate classification (germline): Uncertain significance (1 of 4 stars; one submission).

Conditions:
Cardiovascular phenotype. Identifiers: MedGen CN230736.

gnomAD v4.1: 2 of 1,606,988 alleles (0.00012%); no homozygotes.

Submission:

Ambry Genetics
Classification: Uncertain significance for Cardiovascular phenotype. Last evaluated: 2024-11-30. Review status: criteria provided, single submitter. Criteria: Ambry Variant Classification Scheme 2023. Collection method: clinical testing. Allele origin: germline.
Comment: The p.Q684K variant (also known as c.2050C>A), located in coding exon 21 of the MYBPC3 gene, results from a C to A substitution at nucleotide position 2050. The glutamine at codon 684 is replaced by lysine, an amino acid with similar properties. This amino acid position is conserved. In addition, this alteration is predicted to be tolerated by in silico analysis. Based on the available evidence, the clinical significance of this variant remains unclear.

NM_000256.3(MYBPC3):c.2050C>A (p.Gln684Lys)

Gene: MYBPC3 (myosin binding protein C3; minus strand). Cytogenetic location: 11p11.2.
Variant type: single nucleotide variant.
Coding change: c.2050C>A on transcript NM_000256.3 (MANE Select); coding-DNA position 2050, C replaced by A.
Protein change: p.Gln684Lys; replaces glutamine 684 with lysine.
Molecular consequence: missense variant.
Genome position (GRCh38, 1-based): chr11:47,339,668, G>T on the plus strand (C>A on the coding strand, the complement: MYBPC3 is on the minus strand). VCF-style: chr11-47339668-G-T. GRCh37 (hg19) VCF-style: chr11-47361219-G-T.
Other names: short protein forms Q684K.
Identifiers: ClinVar variation 3400434 (VCV003400434.1).